The following continues an entry in ClinVar:

NM_017739.4(POMGNT1):c.1895+1G>T

ClinVar aggregate classification (germline): Pathogenic/Likely pathogenic. Pathogenic (15); Likely pathogenic (1).

Submissions 9 to 18 of 18:

Broad Center for Mendelian Genomics, Broad Institute of MIT and Harvard
Classification: Likely pathogenic for Muscular dystrophy-dystroglycanopathy. Last evaluated: 2023-01-24. Review status: criteria provided, single submitter. Criteria: ACMG Guidelines, 2015. Collection method: curation. Allele origin: germline. Inheritance: Autosomal recessive inheritance.
Comment: The c.1895+1G>T variant in POMGNT1 has been previously reported in eight individuals with muscular dystrophy-dystroglycanopathy (PMID: 32115343, PMID: 29555514, PMID: 28688748, PMID: 22323514, PMID: 19299310, PMID: 15466003, PMID: 22554691, PMID: 28424332), and has been identified in 0.012% (15/128292) non-Finnish European chromosomes by the Genome Aggregation Database (gnomAD; dbSNP ID: rs386834024). Although this variant has been seen in the general population in a heterozygous state, its frequency is not high enough to rule out a pathogenic role. This variant has also been reported in ClinVar (Variation ID#:56593) and has been interpreted as pathogenic by Illumina (most recent interpretation; previously interpreted as VUS [2016] and likely pathogenic [2016]), Ambry Genetics, Centre for Mendelian Genomics,University Medical Centre Ljubljana, Broad Institute Rare Disease Group,GeneDx, Invitae, Juha Muilu Group; Institute for Molecular Medicine Finland (FIMM), Myriad Women's Health, Inc., Natera, Inc, PerkinElmer Genomics, and Counsyl. Of these eight affected individuals, one was a compound heterozygote who carried a pathogenic variant with unknown phase (PMID: 29555514) and one was a compound heterozygote who carried a likely pathogenic variant with unknown phase (PMID: 22323514), which increases the likelihood that the c.1895+1G>T variant is pathogenic. The variant was shown by RT-PCR analysis (PMID: 22554691) and muscle RNAseq of patient tissue (PMID: 28424332) to alter splicing and lead to intron retention between exons 21 and 22. This variant is located in the 5‚Äô splice region. Computational tools predict a splicing impact, though this information is not predictive enough to determine pathogenicity. Loss of function of the POMGNT1 gene is an established disease mechanism in autosomal recessive POMGNT1-associated muscular dystrophy-dystroglycanopathy. In summary, although additional studies are required to fully establish its clinical significance, this variant is likely pathogenic for POMGNT1-associated muscular dystrophy-dystroglycanopathy. ACMG/AMP Criteria applied: PVS1_Moderate, PS3, PM3 (Richards 2015).

GeneDx
Classification: Pathogenic. Last evaluated: 2022-03-08. Review status: criteria provided, single submitter. Criteria: GeneDx Variant Classification Process June 2021. Collection method: clinical testing. Allele origin: germline. Affected: yes.
Comment: Previously reported in individuals with POMGNT1-related disorders who harbor an additional POMGNT1 variant referred for genetic testing at GeneDx and in published literature (Diesen et al., 2004; Devisme et al., 2012; Saredi et al., 2012); Published functional studies demonstrate the splice defect leads to retention of intron 21 (Saredi et al., 2012); Canonical splice site variant predicted to result in a null allele in a gene for which loss-of-function is a known mechanism of disease; This variant is associated with the following publications: (PMID: 29555514, 32115343, 22554691, 25525159, 17906881, 15466003, 19299310, 22323514, 28424332)

Myriad Genetics, Inc.
Classification: Pathogenic for Muscular dystrophy-dystroglycanopathy (congenital with brain and eye anomalies), type A3. Last evaluated: 2021-10-27. Review status: criteria provided, single submitter. Criteria: Myriad Women's Health Autosomal Recessive and X-Linked Classification Criteria (2021). Collection method: clinical testing. Allele origin: unknown.
Comment: NM_017739.3(POMGNT1):c.1895+1G>T is a canonical splice variant classified as pathogenic in the context of muscle-eye-brain disease. c.1895+1G>T has been observed in cases with relevant disease (PMID: 15466003, 19299310, 22323514, 28688748, 22554691). Functional assessments of this variant are available in the literature (PMID: 22554691). c.1895+1G>T has been observed in population frequency databases (gnomAD: FIN 0.02%). In summary, NM_017739.3(POMGNT1):c.1895+1G>T is a canonical splice variant that has been observed more frequently in cases with the relevant disease than in healthy populations. Please note: this variant was assessed in the context of healthy population screening.

Victorian Clinical Genetics Services, Murdoch Childrens Research Institute
Classification: Pathogenic for Myopathy caused by variation in POMGNT1. Last evaluated: 2020-10-19. Review status: criteria provided, single submitter. Criteria: ACMG Guidelines, 2015. Collection method: clinical testing. Allele origin: germline. Inheritance: Autosomal recessive inheritance. Affected: yes.
Comment: Based on the classification scheme VCGS_Germline_v1.3.3, this variant is classified as Pathogenic. Following criteria are met: 0102 - Loss of function is a known mechanism of disease in this gene and is associated with POMGNT-related disorders. (I) 0106 - This gene is associated with autosomal recessive disease. (I) 0205 - Variant is predicted to result in a truncated protein (premature termination codon is NOT located at least 54 nucleotides upstream of the final exon-exon junction) with less than 1/3 of the protein sequence affected. (SP) 0210 - Splice site variant proven to affect splicing of the transcript with a known effect on protein sequence. This variant has been shown to result in intron 21 retention and a premature termination codon (PMID: 22554691; 28424332) (SP) 0251 - This variant is heterozygous. (I) 0304 - Variant is present in gnomAD <0.01 for a recessive condition (v2: 22 heterozygotes, 0 homozygotes). (SP) 0309 - An alternative nucleotide change at the same position has been observed in gnomAD (v2: 2 heterozygotes, 0 homozygotes). (I) 0505 - Abnormal splicing is predicted by in silico tools and affected nucleotide is highly conserved. (SP) 0702 - Other canonical splice variants comparable to the one identified in this case have strong previous evidence for pathogenicity (ClinVar; PMID: 26908613). (SP) 0801 - This variant has strong previous evidence of pathogenicity in unrelated individuals with POMGNT1-related disorders (ClinVar; PMID: 22323514, 15466003, 28688748, 29555514, 28424332, 22554691) (SP) 1208 - Inheritance information for this variant is not currently available in this individual. (I) Legend: (SP) - Supporting pathogenic, (I) - Information, (SB) - Supporting benign

Centre for Mendelian Genomics, University Medical Centre Ljubljana
Classification: Pathogenic for Autosomal recessive limb-girdle muscular dystrophy type 2O. Last evaluated: 2019-08-21. Review status: criteria provided, single submitter. Criteria: ACMG Guidelines, 2015. Collection method: clinical testing. Allele origin: unknown. Affected: yes.
Comment: This variant was classified as: Pathogenic. The following ACMG criteria were applied in classifying this variant: PVS1,PS1.

Broad Center for Mendelian Genomics, Broad Institute of MIT and Harvard
Classification: Pathogenic for Autosomal recessive limb-girdle muscular dystrophy type 2O. Last evaluated: 2018-12-03. Review status: criteria provided, single submitter. Criteria: ACMG Guidelines, 2015. Collection method: research. Allele origin: germline. Inheritance: Autosomal recessive inheritance. Affected: yes.
Comment: This variant has been identified in 0.007982% (22/275604) of chromosomes by the Genome Aggregation Database (gnomAD; dbSNP rs386834024). Although this variant has been seen in the general population, its frequency is low enough to be consistent with a recessive carrier frequency. This variant occurs in the invariant region (+/- 1/2) of the splice consensus sequence and is predicted to cause altered splicing leading to an abnormal or absent protein. In vitro functional studies provide some evidence that the c.1895+1G>T variant may impact protein function with abnormal splicing and reduced translation (PMID: 22554691). However, these types of assays may not accurately represent biological function. This variant has been observed in the compound heterozygous state, with two variants not reported in ClinVar, in 2 individuals with LGMD as reported by the literature (PMID: 22554691, 22323514). The presence of this variant in combination with a reported pathogenic variant and in an individual with LGMD increases the likelihood that the c.1895+1G>T variant is pathogenic. In summary, this variant meets criteria to be classified as pathogenic for LGMD in an autosomal recessive manner based on the predicted impact of the variant and multiple occurrences reported in the literature in individuals with LGMD. ACMG/AMP Criteria applied: PM2, PVS1, PS3 (Richards 2015).

Ambry Genetics
Classification: Pathogenic for Inborn genetic diseases. Last evaluated: 2018-07-02. Review status: criteria provided, single submitter. Criteria: Ambry exome assertion method (8-5-2015). Collection method: clinical testing. Allele origin: germline. Affected: yes. Observed: 1 variant allele.

Illumina Laboratory Services, Illumina
Classification: Pathogenic for POMGNT1-Related Disorders. Last evaluated: 2018-05-03. Review status: criteria provided, single submitter. Criteria: ICSL Variant Classification Criteria 09 May 2019. Collection method: clinical testing. Allele origin: germline.
Comment: The POMGNT1 c.1895+1G>T variant occurs in a canonical splice site (donor) and is therefore predicted to disrupt or distort the normal gene product. The variant has been reported in at least four studies in which it is found in a compound heterozygous state in three individuals with muscle-eye-brain disease and in one individual with cobblestone lissencephaly (Diesen et al. 2004; Mercuri et al. 2009; Saredi et al. 2012; Devisme et al. 2012). The variant was absent from at least 125 control individuals and is reported at a frequency of 0.00047 in the European (non-Finnish) population of the Exome Aggregation Consortium. RT-PCR experiments demonstrated that the variant affects splicing with retention of the intron between exons 21 and 22 (Saredi et al. 2012). Due to the potential impact of splice donor variants and the evidence from the literature, the c.1895+1G>T variant is classified as pathogenic for POMGNT1-related disorders. This variant was observed by ICSL as part of a predisposition screen in an ostensibly healthy population.

PreventionGenetics, part of Exact Sciences
Classification: Pathogenic for POMGNT1-related condition. Last evaluated: 2024-02-14. Review status: no assertion criteria provided. Collection method: clinical testing. Allele origin: germline. Not counted in ClinVar's aggregate classification.
Comment: The POMGNT1 c.1895+1G>T variant is predicted to disrupt the GT donor site and interfere with normal splicing. This variant has been reported in several unrelated individuals with muscle-eye-brain disease (see for example, Saredi et al. 2012. PubMed ID: 22554691; Diesen et al. 2004. PubMed ID: 15466003). Functional RNA studies on this variant have shown it leads to retention of intron 21 (Saredi et al. 2012. PubMed ID: 22554691). This variant is reported in 0.020% of alleles in individuals of European (Finnish) descent in gnomAD. Variants that disrupt the consensus splice donor site in POMGNT1 are expected to be pathogenic. This variant is interpreted as pathogenic.

Juha Muilu Group; Institute for Molecular Medicine Finland (FIMM)
Classification: Likely pathogenic for Muscle eye brain disease. Review status: no assertion criteria provided. Collection method: not provided. Allele origin: unknown. Not counted in ClinVar's aggregate classification.
Comment: FinDis database variant: This variant was not found or characterized by our laboratory, data were collected from public sources: see reference
ClinVar note: Converted during submission from probable-pathogenic to Likely pathogenic.

Literature cited by the submitters: PubMed 15466003 (cited by 5 submitters); PubMed 22554691 (cited by 6 submitters); PubMed 28424332 (cited by 4 submitters); PubMed 17576681 (cited by Labcorp Genetics (formerly Invitae), Labcorp); PubMed 9536098 (cited by Labcorp Genetics (formerly Invitae), Labcorp); PubMed 22323514 (cited by 6 submitters); PubMed 28688748 (cited by Myriad Genetics, Inc. and Victorian Clinical Genetics Services, Murdoch Childrens Research Institute); PubMed 19299310 (cited by Myriad Genetics, Inc. and Illumina Laboratory Services, Illumina); PubMed 26908613 (cited by Victorian Clinical Genetics Services, Murdoch Childrens Research Institute); PubMed 29555514 (cited by Victorian Clinical Genetics Services, Murdoch Childrens Research Institute).